The following is an entry in ClinVar:

NM_001164508.2(NEB):c.927+14G>A

Gene: NEB (nebulin; minus strand). Cytogenetic location: 2q23.3.
Variant type: single nucleotide variant.
Coding change: c.927+14G>A on transcript NM_001164508.2 (MANE Select); 14 bases into the intron after coding-DNA position 927, G replaced by A.
Molecular consequence: intron variant.
Genome position (GRCh38, 1-based): chr2:151,710,420, C>T on the plus strand (G>A on the coding strand, the complement: NEB is on the minus strand). VCF-style: chr2-151710420-C-T. GRCh37 (hg19) VCF-style: chr2-152566934-C-T.
Other names: c.927+14G>A (NM_004543.5, NM_001164507.2, NM_001271208.2).
Identifiers: ClinVar variation 682597 (VCV000682597.4), dbSNP rs1577279380, ClinGen allele CA915942846.

ClinVar aggregate classification (germline): Likely benign. Review status: criteria provided, multiple submitters, no conflicts (2 of 4 stars). 2 submissions from 2 submitters: Likely benign (2). Last evaluated 2023-10-04.

Conditions:
Nemaline myopathy 2 (NEM2). Also called: Nemaline myopathy 2, autosomal recessive. Identifiers: MedGen C1850569, MONDO:0009725, OMIM 256030.

Allele frequency attached by ClinVar (database versions not stated): gnomAD exomes below 0.00001; TOPMed 0.00001.
gnomAD v4.1: 3 of 1,576,134 alleles (0.00019%); highest among the groups gnomAD compares: Non-Finnish European, 0.00026%; no homozygotes.

Submissions (2):

Labcorp Genetics (formerly Invitae), Labcorp
Classification: Likely benign for Nemaline myopathy 2. Last evaluated: 2023-10-04. Review status: criteria provided, single submitter. Criteria: Invitae Variant Classification Sherloc (09022015). Collection method: clinical testing. Allele origin: germline.

GeneDx
Classification: Likely benign. Last evaluated: 2018-05-02. Review status: criteria provided, single submitter. Criteria: GeneDx Variant Classification (06012015). Collection method: clinical testing. Allele origin: germline. Affected: yes.
Comment: This variant is considered likely benign or benign based on one or more of the following criteria: it is a conservative change, it occurs at a poorly conserved position in the protein, it is predicted to be benign by multiple in silico algorithms, and/or has population frequency not consistent with disease.